The following is an entry in ClinVar:

ClinVar aggregate classification (germline): Likely benign (1 of 4 stars; one submission).

Conditions:
FASN-related disorder. Also called: FASN-related condition.

gnomAD v4.1: 5 of 1,611,436 alleles (0.00031%); highest among the groups gnomAD compares: African/African-American, 0.0067%; no homozygotes.

Submission:

PreventionGenetics, part of Exact Sciences
Classification: Likely benign for FASN-related condition. Last evaluated: 2026-01-30. Review status: criteria provided, single submitter. Criteria: ACMG Guidelines, 2015. Collection method: clinical testing. Allele origin: germline.
Comment: This variant is classified as likely benign based on ACMG/AMP sequence variant interpretation guidelines (Richards et al. 2015 PMID: 25741868, with internal and published modifications).

NM_004104.5(FASN):c.128-6C>A

Gene: FASN (fatty acid synthase; minus strand). Cytogenetic location: 17q25.3.
Variant type: single nucleotide variant.
Coding change: c.128-6C>A on transcript NM_004104.5 (MANE Select); 6 bases into the intron before coding-DNA position 128, C replaced by A.
Molecular consequence: intron variant.
Genome position (GRCh38, 1-based): chr17:82,095,478, G>T on the plus strand (C>A on the coding strand, the complement: FASN is on the minus strand). VCF-style: chr17-82095478-G-T. GRCh37 (hg19) VCF-style: chr17-80053354-G-T.
Identifiers: ClinVar variation 4990716 (VCV004990716.1).